The following is an entry in ClinVar:

NM_001242896.3(DEPDC5):c.3592A>C (p.Lys1198Gln)

Gene: DEPDC5 (DEP domain containing 5, GATOR1 subcomplex subunit; plus strand). Cytogenetic location: 22q12.3.
Variant type: single nucleotide variant.
Coding change: c.3592A>C on transcript NM_001242896.3 (MANE Select); coding-DNA position 3592, A replaced by C.
Protein change: p.Lys1198Gln; replaces lysine 1198 with glutamine.
Molecular consequence: missense variant. On other transcripts: non-coding transcript variant (4).
Genome position (GRCh38, 1-based): chr22:31,874,301, A>C. VCF-style: chr22-31874301-A-C. GRCh37 (hg19) VCF-style: chr22-32270287-A-C.
Other names: c.3565A>C, p.Lys1189Gln (NM_001136029.4); c.3292A>C, p.Lys1098Gln (NM_001242897.2); c.3526A>C, p.Lys1176Gln (NM_001363852.2, NM_001364320.2); c.3358A>C, p.Lys1120Gln (NM_001363854.2, NM_001364319.2); c.3592A>C, p.Lys1198Gln (NM_001364318.2); c.3508A>C, p.Lys1170Gln (NM_001369901.1, NM_001369902.1); c.3499A>C, p.Lys1167Gln (NM_001369903.1, NM_014662.6); short protein forms K1098Q, K1120Q, K1167Q, K1170Q, K1176Q, K1189Q, K1198Q.
Identifiers: ClinVar variation 4534145 (VCV004534145.6).
Genomic context (GRCh38, chr22:31,874,301, plus strand): 5'-CCCTGCTCCCCGTTCACCGTGTTGGAACCCAGGACAGGAGTCCAGCTGCTCTCTGAACAG[A>C]AGGGCCTCTCACCGTACTGCTTCATCAGCGCGGAGGTGGTACACTGGTTGGTGAACCACG-3'
Protein context (NP_001229825.1, residues 1188-1208): STGVQLLSEQ[Lys1198Gln]GLSPYCFISA

ClinVar aggregate classification (germline): Uncertain significance (1 of 4 stars; one submission).

gnomAD v4.1: 1 of 1,608,198 alleles (0.000062%); no homozygotes.

Submission:

CeGaT Center for Human Genetics Tuebingen
Classification: Uncertain significance. Last evaluated: 2025-10-01. Review status: criteria provided, single submitter. Criteria: CeGaT Center For Human Genetics Tuebingen Variant Classification Criteria Version 2. Collection method: clinical testing. Allele origin: germline. Affected: yes. Observed: 1 variant allele.
Comment: DEPDC5: PM2